The following is an entry in ClinVar:

ClinVar aggregate classification (germline): Pathogenic. Review status: criteria provided, single submitter (1 of 4 stars). 2 submissions from 2 submitters: Pathogenic (1). 1 of the submissions does not count toward it. Last evaluated 2022-11-08.

Conditions:
Tuberous sclerosis 2 (TSC2). Identifiers: Orphanet 805, MedGen C1860707, MONDO:0013199, OMIM 613254.
Tuberous sclerosis syndrome (TSC). Also called: Tuberous Sclerosis Complex; Tuberous sclerosis. Identifiers: Orphanet 805, MedGen C0041341, MONDO:0001734.

Submissions (2):

Labcorp Genetics (formerly Invitae), Labcorp
Classification: Pathogenic for Tuberous sclerosis 2. Last evaluated: 2022-11-08. Review status: criteria provided, single submitter. Criteria: Invitae Variant Classification Sherloc (09022015). Collection method: clinical testing. Allele origin: germline.
Comment: For these reasons, this variant has been classified as Pathogenic. ClinVar contains an entry for this variant (Variation ID: 50129). This variant has not been reported in the literature in individuals affected with TSC2-related conditions. This variant is not present in population databases (gnomAD no frequency). This sequence change creates a premature translational stop signal (p.Lys745Aspfs*16) in the TSC2 gene. It is expected to result in an absent or disrupted protein product. Loss-of-function variants in TSC2 are known to be pathogenic (PMID: 10205261, 17304050).

Tuberous sclerosis database (TSC2)
No classification provided. Condition: TSC. Review status: no classification provided. Criteria: Tuberous Sclerosis Database Assertion Criteria 2015. Collection method: curation. Allele origin: germline. Affected: yes. Not counted in ClinVar's aggregate classification.

Literature cited by the submitters: PubMed 10205261 (cited by Labcorp Genetics (formerly Invitae), Labcorp); PubMed 17304050 (cited by Labcorp Genetics (formerly Invitae), Labcorp).

NM_000548.5(TSC2):c.2233_2234del (p.Lys745fs)

Gene: TSC2 (TSC complex subunit 2; plus strand). Cytogenetic location: 16p13.3.
Variant type: Deletion.
Coding change: c.2233_2234del on transcript NM_000548.5 (MANE Select); coding-DNA positions 2233 to 2234, 2 bases deleted (AA; older notation c.2233_2234delAA).
Protein change: p.Lys745fs; shifts the reading frame from lysine 745.
Molecular consequence: frameshift variant.
Genome position (GRCh38, 1-based): chr16:2,072,861-2,072,862, AA deleted; deleting any 2 consecutive bases within chr16:2,072,860-2,072,862 gives the same sequence; the c. name uses the placement nearest the transcript's 3' end. VCF-style (leftmost placement, unchanged base first): chr16-2072859-CAA-C. GRCh37 (hg19) VCF-style: chr16-2122860-CAA-C.
Other names: c.2233_2234del, p.Lys745fs (NM_001077183.3, NM_001114382.3, NM_001363528.2 and 3 more transcripts); c.2122_2123del, p.Lys708fs (NM_001318827.2); c.2086_2087del, p.Lys696fs (NM_001318829.2); c.1633_1634del, p.Lys545fs (NM_001318831.2); c.2266_2267del, p.Lys756fs (NM_001318832.2); short protein forms K545fs, K696fs, K756fs, K708fs, K745fs.
Identifiers: ClinVar variation 50129 (VCV000050129.7), dbSNP rs137854006, ClinGen allele CA017035.